The following is an entry in ClinVar:

NM_001378615.1(CC2D2A):c.4138G>A (p.Gly1380Ser)

Genes: CC2D2A (coiled-coil and C2 domain containing 2A; plus strand), FBXL5 (F-box and leucine rich repeat protein 5; minus strand). Cytogenetic location: 4p15.32.
Variant type: single nucleotide variant.
Coding change: c.4138G>A on transcript NM_001378615.1 (MANE Select); coding-DNA position 4138, G replaced by A.
Protein change: p.Gly1380Ser; replaces glycine 1380 with serine.
Molecular consequence: missense variant.
Genome position (GRCh38, 1-based): chr4:15,587,888, G>A. VCF-style: chr4-15587888-G-A. GRCh37 (hg19) VCF-style: chr4-15589511-G-A.
Other names: c.4138G>A, p.Gly1380Ser (NM_001080522.2); c.3991G>A, p.Gly1331Ser (NM_001378617.1); short protein forms G1331S, G1380S.
Identifiers: ClinVar variation 4856043 (VCV004856043.1).

ClinVar aggregate classification (germline): Uncertain significance (1 of 4 stars; one submission).

Conditions:
Joubert syndrome 9 (JBTS9). Identifiers: Orphanet 2318, MedGen C2676788, MONDO:0012849, OMIM 612285.

Submission:

3billion
Classification: Uncertain significance for Joubert syndrome 9. Last evaluated: 2025-12-04. Review status: criteria provided, single submitter. Criteria: ACMG Guidelines, 2015. Collection method: clinical testing. Allele origin: germline. Affected: yes.
Comment: The variant is not observed in the gnomAD v4.1.0 dataset. Predicted Consequence/Location: Missense variant In silico tool predictions suggest damaging effect of the variant on gene or gene product [REVEL: 0.61 (>=0.6, sensitivity 0.68 and specificity 0.92)]. Different missense changes at the same codon have been reported as of uncertain significance (ClinVar ID: VCV000575057). Therefore, this variant is classified as VUS according to the recommendation of ACMG/AMP guideline.